The following is an entry in ClinVar:

ClinVar aggregate classification (germline): Benign. Review status: criteria provided, multiple submitters, no conflicts (2 of 4 stars). 4 submissions from 4 submitters: Benign (4). Last evaluated 2024-07-15.

Conditions:
Autosomal recessive Alport syndrome (ATS2). Also called: COL4A3-Related Nephropathy; Alport syndrome type 2; COL4A4 Alport Syndrome and Thin Basement Membrane Nephropathy; ALPORT SYNDROME 2, AUTOSOMAL RECESSIVE. Identifiers: Orphanet 63, Orphanet 88919, MedGen C4746745, MONDO:0008762, OMIM 203780.

Allele frequency attached by ClinVar (database versions not stated): 1000 Genomes Project 30x 0.08011; 1000 Genomes Project 0.08027; TOPMed 0.09964; gnomAD 0.10050 and 0.10155; ExAC 0.10195; gnomAD exomes 0.10213 and 0.11534; ESP Exome Variant Server 0.10249.
gnomAD v4.1: 180,371 of 1,585,892 alleles (11%); highest among the groups gnomAD compares: Non-Finnish European, 12%; 10,607 homozygotes.

Submissions (8):

Unidad de Genómica Garrahan, Hospital de Pediatría Garrahan
Classification: Benign. Last evaluated: 2024-07-15. Review status: criteria provided, single submitter. Criteria: ACMG Guidelines, 2015. Collection method: clinical testing. Allele origin: germline. Affected: no. Observed: 20 variant alleles.
Comment: This variant is classified as Benign based on local population frequency. This variant was detected in 22% of patients studied in a panel designed for Epileptic and Developmental Encephalopathy and Progressive Myoclonus Epilepsy. Number of patients: 20. Only high quality variants are reported.

Genome-Nilou Lab
Classification: Benign for Autosomal recessive Alport syndrome. Last evaluated: 2021-06-10. Review status: criteria provided, single submitter. Criteria: ACMG Guidelines, 2015. Collection method: clinical testing. Allele origin: germline. Affected: no.

GeneDx
Classification: Benign. Last evaluated: 2018-06-13. Review status: criteria provided, single submitter. Criteria: GeneDx Variant Classification (06012015). Collection method: clinical testing. Allele origin: germline. Affected: yes.
Comment: This variant is considered likely benign or benign based on one or more of the following criteria: it is a conservative change, it occurs at a poorly conserved position in the protein, it is predicted to be benign by multiple in silico algorithms, and/or has population frequency not consistent with disease.

Breakthrough Genomics
Classification: Benign. Review status: criteria provided, single submitter. Criteria: ACMG Guidelines, 2015. Collection method: not provided. Allele origin: germline. Inheritance: Autosomal recessive inheritance. Affected: yes.

Dr. Peter K. Rogan Lab, Western University
No classification provided (evidence only). Condition: Malignant lymphoma, large B-cell, diffuse. Review status: no classification provided. Collection method: in vitro. Allele origin: not applicable. Functional consequence: skipped exon, retained intron. Not counted in ClinVar's aggregate classification.

Dr. Peter K. Rogan Lab, Western University
No classification provided (evidence only). Condition: Hepatocellular carcinoma. Review status: no classification provided. Collection method: in vitro. Allele origin: not applicable. Functional consequence: retained intron. Not counted in ClinVar's aggregate classification.

Dr. Peter K. Rogan Lab, Western University
No classification provided (evidence only). Condition: Thymoma. Review status: no classification provided. Collection method: in vitro. Allele origin: not applicable. Functional consequence: retained intron. Not counted in ClinVar's aggregate classification.

Dr. Peter K. Rogan Lab, Western University
No classification provided (evidence only). Condition: Thymoma. Review status: no classification provided. Collection method: in vitro. Allele origin: not applicable. Functional consequence: retained intron. Not counted in ClinVar's aggregate classification.

NM_000091.5(COL4A3):c.987+35T>G

Genes: MFF-DT (MFF divergent transcript; minus strand), COL4A3 (collagen type IV alpha 3 chain; plus strand). Cytogenetic location: 2q36.3.
Variant type: single nucleotide variant.
Coding change: c.987+35T>G on transcript NM_000091.5 (MANE Select); 35 bases into the intron after coding-DNA position 987, T replaced by G.
Molecular consequence: intron variant.
Genome position (GRCh38, 1-based): chr2:227,256,431, T>G. VCF-style: chr2-227256431-T-G. GRCh37 (hg19) VCF-style: chr2-228121147-T-G.
Other names: NC_000002.11:g.228121147T>G.
Identifiers: ClinVar variation 682502 (VCV000682502.7), dbSNP rs10933172, ClinGen allele CA2146459.
Genomic context (GRCh38, chr2:227,256,431, plus strand): 5'-GGTTAATGGGTGAAGATGGCATTAAGGTAATCCTCTCCCTAATAGCCTATTTTAATAGGT[T>G]GGGTTTTGCCTGTGCTTTTACTTTTACCTCCAACCCTGGACCTAAGTACAAGGGATTACA-3'